The following is an entry in ClinVar:

NM_052947.4(ALPK2):c.1049G>C (p.Gly350Ala)

Genes: ALPK2 (alpha kinase 2; minus strand), LOC114803473 (ALPK2 eExon liver enhancer; plus strand). Cytogenetic location: 18q21.31.
Variant type: single nucleotide variant.
Coding change: c.1049G>C on transcript NM_052947.4 (MANE Select); coding-DNA position 1049, G replaced by C.
Protein change: p.Gly350Ala; replaces glycine 350 with alanine.
Molecular consequence: missense variant.
Genome position (GRCh38, 1-based): chr18:58,579,727, C>G on the plus strand (G>C on the coding strand, the complement: ALPK2 is on the minus strand). VCF-style: chr18-58579727-C-G. GRCh37 (hg19) VCF-style: chr18-56246959-C-G.
Other names: short protein forms G350A.
Identifiers: ClinVar variation 2560595 (VCV002560595.2), dbSNP rs1482504393, ClinGen allele CA402564948.

ClinVar aggregate classification (germline): Uncertain significance (1 of 4 stars; one submission).

Allele frequency attached by ClinVar (database versions not stated): gnomAD exomes below 0.00001; TOPMed below 0.00001.
gnomAD v4.1: 1 of 1,614,170 alleles (0.000062%); highest among the groups gnomAD compares: Non-Finnish European, 0.000085%; no homozygotes.

Submission:

Ambry Genetics
Classification: Uncertain significance. Last evaluated: 2023-06-08. Review status: criteria provided, single submitter. Criteria: Ambry Variant Classification Scheme 2023. Collection method: clinical testing. Allele origin: germline.
Comment: The p.G350A variant (also known as c.1049G>C), located in coding exon 3 of the ALPK2 gene, results from a G to C substitution at nucleotide position 1049. The glycine at codon 350 is replaced by alanine, an amino acid with similar properties. This amino acid position is conserved. In addition, this alteration is predicted to be tolerated by in silico analysis. Since supporting evidence is limited at this time, the clinical significance of this alteration remains unclear.